The following is an entry in ClinVar:

ClinVar aggregate classification (germline): Pathogenic (1 of 4 stars; one submission).

Conditions:
Kartagener syndrome (CILD1). Also called: CILIARY DYSKINESIA, PRIMARY, 1; CILIARY DYSKINESIA, PRIMARY, 1, WITH OR WITHOUT SITUS INVERSUS; IMMOTILE CILIA SYNDROME; POLYNESIAN BRONCHIECTASIS; Dextrocardia bronchiectasis and sinusitis; SIEWERT SYNDROME. Identifiers: Orphanet 244, MedGen C4551906, MONDO:0009484, OMIM 244400.

Submission:

Myriad Genetics, Inc.
Classification: Pathogenic for Kartagener syndrome. Last evaluated: 2024-05-14. Review status: criteria provided, single submitter. Criteria: Myriad Autosomal Dominant, Autosomal Recessive and X-Linked Classification Criteria (2023). Collection method: clinical testing. Allele origin: unknown.
Comment: NM_012144.2(DNAI1):c.281_282insAATA(G95Ifs*24) is expected to be pathogenic in the context of primary ciliary dyskinesia, DNAI1-related. This variant is predicted to lead to an abnormal or absent protein product due to the creation of a premature termination codon in DNAI1, a gene where loss-of-function variants are known to be pathogenic. Please note: this variant was assessed in the context of healthy population screening.

NM_012144.4(DNAI1):c.281_282insAATA (p.Gly95fs)

Gene: DNAI1 (dynein axonemal intermediate chain 1; plus strand). Cytogenetic location: 9p13.3.
Variant type: Insertion.
Coding change: c.281_282insAATA on transcript NM_012144.4 (MANE Select); coding-DNA positions 281 to 282, AATA inserted.
Protein change: p.Gly95fs; shifts the reading frame from glycine 95.
Molecular consequence: frameshift variant.
Genome position: GRCh38 VCF-style: chr9-34489342-T-TAATA. GRCh37 (hg19) VCF-style: chr9-34489340-T-TAATA.
Other names: c.281_282insAATA, p.Gly95fs (NM_001281428.2); short protein forms G95fs.
Identifiers: ClinVar variation 5010668 (VCV005010668.1).